The following is an entry in ClinVar:

NM_022168.4(IFIH1):c.583C>G (p.Gln195Glu)

Gene: IFIH1 (interferon induced with helicase C domain 1; minus strand). Cytogenetic location: 2q24.2.
Variant type: single nucleotide variant.
Coding change: c.583C>G on transcript NM_022168.4 (MANE Select); coding-DNA position 583, C replaced by G.
Protein change: p.Gln195Glu; replaces glutamine 195 with glutamic acid.
Molecular consequence: missense variant.
Genome position (GRCh38, 1-based): chr2:162,310,804, G>C on the plus strand (C>G on the coding strand, the complement: IFIH1 is on the minus strand). VCF-style: chr2-162310804-G-C. GRCh37 (hg19) VCF-style: chr2-163167314-G-C.
Other names: short protein forms Q195E.
Identifiers: ClinVar variation 4885277 (VCV004885277.2).
Genomic context (GRCh38, chr2:162,310,804, plus strand): 5'-CCTCAGTAAAATTACAAATACCTGCATTGCTTTCTGAGCAATCAGAGCCTGTTAACTCTT[G>C]GACAAGTTCATTGTTTCCTGTTTGACGAAGAACATTCAGAAATGCAGAGAACCAGTTTTC-3'
Protein context (NP_071451.2, residues 185-205): LRQTGNNELV[Gln195Glu]ELTGSDCSES

ClinVar aggregate classification (germline): Uncertain significance (1 of 4 stars; one submission).

Submission:

Dasa
Classification: Uncertain significance. Last evaluated: 2026-01-29. Review status: criteria provided, single submitter. Criteria: DASA Assertion Criteria. Collection method: clinical testing. Allele origin: germline.
Comment: NM_022168.4(IFIH1):c.583C>G (p.Gln195Glu) is a missense variant that results in the substitution of glutamine with glutamic acid. This variant is rare in population databases. Computational prediction algorithms are consistent with a benign effect. The currently available literature and clinical evidence are not sufficient to establish a definitive association between this variant and the reported condition. Therefore, this variant is classified as a variant of uncertain significance.